The following is an entry in ClinVar:

NM_005359.6(SMAD4):c.1006G>C (p.Gly336Arg)

Gene: SMAD4 (SMAD family member 4; plus strand). Cytogenetic location: 18q21.2.
Variant type: single nucleotide variant.
Coding change: c.1006G>C on transcript NM_005359.6 (MANE Select); coding-DNA position 1006, G replaced by C.
Protein change: p.Gly336Arg; replaces glycine 336 with arginine.
Molecular consequence: missense variant.
Genome position (GRCh38, 1-based): chr18:51,065,473, G>C. VCF-style: chr18-51065473-G-C. GRCh37 (hg19) VCF-style: chr18-48591843-G-C.
Other names: short protein forms G336R.
Identifiers: ClinVar variation 240141 (VCV000240141.11), dbSNP rs878854763, ClinGen allele CA10583706.

ClinVar aggregate classification (germline): Uncertain significance (1 of 4 stars; one submission).

Conditions:
Juvenile polyposis syndrome (JPS). Identifiers: Orphanet 2929, MedGen C0345893, MONDO:0017380, OMIM 174900.

Allele frequency attached by ClinVar (database versions not stated): gnomAD 0.00001.
gnomAD v4.1: 1 of 1,613,974 alleles (0.000062%); highest among the groups gnomAD compares: Non-Finnish European, 0.000085%; no homozygotes.

Submission:

Labcorp Genetics (formerly Invitae), Labcorp
Classification: Uncertain significance for Juvenile polyposis syndrome. Last evaluated: 2018-10-09. Review status: criteria provided, single submitter. Criteria: Invitae Variant Classification Sherloc (09022015). Collection method: clinical testing. Allele origin: germline.
Comment: This sequence change replaces glycine with arginine at codon 336 of the SMAD4 protein (p.Gly336Arg). The glycine residue is highly conserved and there is a moderate physicochemical difference between glycine and arginine. This variant is not present in population databases (ExAC no frequency). This variant has not been reported in the literature in individuals with SMAD4-related disease. ClinVar contains an entry for this variant (Variation ID: 240141). Algorithms developed to predict the effect of missense changes on protein structure and function (SIFT, PolyPhen-2, Align-GVGD) all suggest that this variant is likely to be disruptive, but these predictions have not been confirmed by published functional studies and their clinical significance is uncertain. In summary, the available evidence is currently insufficient to determine the role of this variant in disease. Therefore, it has been classified as a Variant of Uncertain Significance.